The following is an entry in ClinVar:

NM_000455.5(STK11):c.530T>A (p.Ile177Asn)

Gene: STK11 (serine/threonine kinase 11; plus strand). Cytogenetic location: 19p13.3.
Variant type: single nucleotide variant.
Coding change: c.530T>A on transcript NM_000455.5 (MANE Select); coding-DNA position 530, T replaced by A.
Protein change: p.Ile177Asn; replaces isoleucine 177 with asparagine.
Molecular consequence: missense variant.
Genome position (GRCh38, 1-based): chr19:1,220,438, T>A. VCF-style: chr19-1220438-T-A. GRCh37 (hg19) VCF-style: chr19-1220437-T-A.
Other names: short protein forms I177N.
Identifiers: ClinVar variation 3600331 (VCV003600331.1), dbSNP rs1057520041.

ClinVar aggregate classification (germline): Likely pathogenic (1 of 4 stars; one submission).

Conditions:
Peutz-Jeghers syndrome (PJS). Also called: Peutz-Jeghers polyposis; Periorificial lentiginosis syndrome; POLYPOSIS, HAMARTOMATOUS INTESTINAL; POLYPS-AND-SPOTS SYNDROME. Identifiers: Orphanet 2869, MedGen C0031269, MeSH D010580, MONDO:0008280, OMIM 175200.

Submission:

Department of Clinical Genetics, Copenhagen University Hospital, Rigshospitalet
Classification: Likely pathogenic for Peutz-Jeghers syndrome. Last evaluated: 2025-01-10. Review status: criteria provided, single submitter. Criteria: ACMG Guidelines, 2015. Collection method: clinical testing. Allele origin: germline. Affected: yes.
Comment: The following ACMG criteria was used: PM1; PM2_SUP; PS4_SUP; PP3; PP4

Literature cited by the submitters: PubMed 37017260.